The following is an entry in ClinVar:

ClinVar aggregate classification (germline): Uncertain significance (1 of 4 stars; one submission).

Conditions:
Pitt-Hopkins-like syndrome 2 (PTHSL2). Identifiers: Orphanet 221150, Orphanet 600663, MedGen C3280479, MONDO:0013690, OMIM 614325.

gnomAD v4.1: 23 of 1,593,152 alleles (0.0014%); highest among the groups gnomAD compares: Non-Finnish European, 0.002%; no homozygotes.

Submission:

Labcorp Genetics (formerly Invitae), Labcorp
Classification: Uncertain significance for Pitt-Hopkins-like syndrome 2. Last evaluated: 2022-06-16. Review status: criteria provided, single submitter. Criteria: Invitae Variant Classification Sherloc (09022015). Collection method: clinical testing. Allele origin: germline.
Comment: The frequency data for this variant in the population databases is considered unreliable, as metrics indicate poor data quality at this position in the gnomAD database. This sequence change replaces valine, which is neutral and non-polar, with leucine, which is neutral and non-polar, at codon 67 of the NRXN1 protein (p.Val67Leu). In summary, the available evidence is currently insufficient to determine the role of this variant in disease. Therefore, it has been classified as a Variant of Uncertain Significance. Algorithms developed to predict the effect of missense changes on protein structure and function output the following: SIFT: "Tolerated"; PolyPhen-2: "Benign"; Align-GVGD: "Class C0". The leucine amino acid residue is found in multiple mammalian species, which suggests that this missense change does not adversely affect protein function. This variant has not been reported in the literature in individuals affected with NRXN1-related conditions.

NM_001330078.2(NRXN1):c.199G>C (p.Val67Leu)

Gene: NRXN1 (neurexin 1; minus strand). Cytogenetic location: 2p16.3.
Variant type: single nucleotide variant.
Coding change: c.199G>C on transcript NM_001330078.2 (MANE Select); coding-DNA position 199, G replaced by C.
Protein change: p.Val67Leu; replaces valine 67 with leucine.
Molecular consequence: missense variant.
Genome position (GRCh38, 1-based): chr2:51,028,075, C>G on the plus strand (G>C on the coding strand, the complement: NRXN1 is on the minus strand). VCF-style: chr2-51028075-C-G. GRCh37 (hg19) VCF-style: chr2-51255213-C-G.
Other names: c.199G>C, p.Val67Leu (NM_001135659.3, NM_001330077.2, NM_001330079.2 and 15 more transcripts); short protein forms V67L.
Identifiers: ClinVar variation 1956641 (VCV001956641.5), dbSNP rs201964958, ClinGen allele CA48054932.